The following is an entry in ClinVar:

NM_018979.4(WNK1):c.500C>T (p.Ser167Phe)

Gene: WNK1 (WNK lysine deficient protein kinase 1; plus strand). Cytogenetic location: 12p13.33.
Variant type: single nucleotide variant.
Coding change: c.500C>T on transcript NM_018979.4 (MANE Select); coding-DNA position 500, C replaced by T.
Protein change: p.Ser167Phe; replaces serine 167 with phenylalanine.
Molecular consequence: missense variant.
Genome position (GRCh38, 1-based): chr12:754,065, C>T. VCF-style: chr12-754065-C-T. GRCh37 (hg19) VCF-style: chr12-863231-C-T.
Other names: c.500C>T, p.Ser167Phe (NM_001184985.2, NM_014823.3, NM_213655.5); short protein forms S167F.
Identifiers: ClinVar variation 844466 (VCV000844466.9), dbSNP rs1404149752, ClinGen allele CA383306895.
Genomic context (GRCh38, chr12:754,065, plus strand): 5'-CCGTCGCGGGCCCTGCCCCCTCGACTGTCCCCAGCAGTACCAGCAAAGACCGCCCAGTGT[C>T]CCAGCCTAGCCTTGTGGGGAGCAAAGAGGAGCCGCCGCCGGCGAGAAGTGGCAGCGGCGG-3'
Protein context (NP_061852.3, residues 157-177): PSSTSKDRPV[Ser167Phe]QPSLVGSKEE

ClinVar aggregate classification (germline): Uncertain significance (1 of 4 stars; one submission).

Conditions:
Pseudohypoaldosteronism type 2C (PHA2C). Also called: Pseudohypoaldosteronism Type IIC. Identifiers: Orphanet 757, Orphanet 88940, MedGen C1840391, MONDO:0013778, OMIM 614492.
Neuropathy, hereditary sensory and autonomic, type 2A (HSAN2A). Also called: MORVAN DISEASE; NEUROPATHY, CONGENITAL SENSORY; NEUROPATHY, HEREDITARY SENSORY RADICULAR, AUTOSOMAL RECESSIVE; NEUROPATHY, HEREDITARY SENSORY, TYPE IIA; NEUROPATHY, PROGRESSIVE SENSORY, OF CHILDREN; WNK1-Related HSAN2 (HSAN2A). Identifiers: Orphanet 970, MedGen C2752089, MONDO:0024309, OMIM 201300.

Submission:

Labcorp Genetics (formerly Invitae), Labcorp
Classification: Uncertain significance for Neuropathy, hereditary sensory and autonomic, type 2A; Pseudohypoaldosteronism type 2C. Last evaluated: 2022-09-12. Review status: criteria provided, single submitter. Criteria: Invitae Variant Classification Sherloc (09022015). Collection method: clinical testing. Allele origin: germline.
Comment: In summary, the available evidence is currently insufficient to determine the role of this variant in disease. Therefore, it has been classified as a Variant of Uncertain Significance. Advanced modeling of protein sequence and biophysical properties (such as structural, functional, and spatial information, amino acid conservation, physicochemical variation, residue mobility, and thermodynamic stability) performed at Invitae indicates that this missense variant is not expected to disrupt WNK1 protein function. ClinVar contains an entry for this variant (Variation ID: 844466). This missense change has been observed in individual(s) with clinical features of WNK1-related conditions (Invitae). This variant is not present in population databases (gnomAD no frequency). This sequence change replaces serine, which is neutral and polar, with phenylalanine, which is neutral and non-polar, at codon 167 of the WNK1 protein (p.Ser167Phe).